The following is an entry in ClinVar:

NM_000540.3(RYR1):c.10747G>C (p.Glu3583Gln)

Gene: RYR1 (ryanodine receptor 1; plus strand). Cytogenetic location: 19q13.2.
Variant type: single nucleotide variant.
Coding change: c.10747G>C on transcript NM_000540.3 (MANE Select); coding-DNA position 10747, G replaced by C.
Protein change: p.Glu3583Gln; replaces glutamic acid 3583 with glutamine.
Molecular consequence: missense variant.
Genome position (GRCh38, 1-based): chr19:38,527,707, G>C. VCF-style: chr19-38527707-G-C. GRCh37 (hg19) VCF-style: chr19-39018347-G-C.
Other names: NM_000540.2(RYR1):c.10747G>C; c.10732G>C, p.Glu3578Gln (NM_001042723.2); short protein forms E3578Q.
Identifiers: ClinVar variation 132999 (VCV000132999.63), dbSNP rs55876273, ClinGen allele CA023858.

ClinVar aggregate classification (germline): Benign. Review status: reviewed by expert panel (3 of 4 stars). 22 submissions from 20 submitters: Benign (1). 21 of the submissions do not count toward it. Last evaluated 2021-03-17.

Conditions:
Central core myopathy (CMYO1A). Also called: CONGENITAL MYOPATHY 1A, AUTOSOMAL DOMINANT, WITH SUSCEPTIBILITY TO MALIGNANT HYPERTHERMIA; Central core disease; Myopathy, central fibrillar. Identifiers: Orphanet 597, MedGen C5830701, MONDO:0007294, OMIM 117000.
Congenital multicore myopathy with external ophthalmoplegia (CMYO1B). Also called: Minicore myopathy with external ophthalmoplegia; MULTIMINICORE DISEASE WITH EXTERNAL OPHTHALMOPLEGIA; Congenital myopathy 1B, autosomal recessive; Minicore myopathy; MULTICORE MYOPATHY. Identifiers: Orphanet 598, Orphanet 98905, MedGen C1850674, MONDO:0009712, OMIM 255320, HP:0003789.
Congenital myopathy with fiber type disproportion. Also called: Congenital fiber-type disproportion myopathy; Congenital fiber-type disproportion. Identifiers: Orphanet 2020, MedGen C0546264, MONDO:0009711. Inheritance: all.
King Denborough syndrome (KDS). Identifiers: MedGen C1840365, MONDO:0020485, OMIM 619542.
Malignant hyperthermia, susceptibility to, 1 (MHS1). Also called: Anesthesia related hyperthermia; Malignant hyperpyrexia; Fulminating hyperpyrexia; Pharmacogenic myopathy; RYR1-Related Malignant Hyperthermia Susceptibility; Malignant hyperthermia suceptibility 1. Identifiers: Orphanet 423, MedGen C2930980, MONDO:0007783, OMIM 145600.
RYR1-related disorder. Also called: RYR1-related disorders; RYR1-related condition. Identifiers: MedGen CN239331.
Malignant hypothermia.

Allele frequency attached by ClinVar (database versions not stated): gnomAD exomes 0.01499; TOPMed 0.01101; ESP Exome Variant Server 0.01330; 1000 Genomes Project 0.00679; 1000 Genomes Project 30x 0.00812; gnomAD 0.01228 and 0.01258; ExAC 0.01494.
gnomAD v4.1: 31,155 of 1,614,116 alleles (1.9%); highest among the groups gnomAD compares: South Asian, 2.6%; 390 homozygotes.

Submissions (22):

ClinGen Malignant Hyperthermia Susceptibility Variant Curation Expert Panel, ClinGen
Classification: Benign for Malignant hyperthermia, susceptibility to, 1. Last evaluated: 2021-03-17. Review status: reviewed by expert panel. Criteria: ClinGen MHS ACMG Specifications V1. Collection method: curation. Allele origin: germline. Inheritance: Autosomal dominant inheritance. Study: ClinGen.
Comment: This pathogenicity assessment is relevant only for malignant hyperthermia susceptibility (MHS) inherited in an autosomal dominant pattern. Variants in RYR1 can also cause other myopathies inherited in an autosomal dominant pattern or in an autosomal recessive pattern. Some of these disorders may predispose individuals to malignant hyperthermia. RYR1 variants may also contribute to a malignant hyperthermia reaction in combination with other genetic and non-genetic factors and the clinician needs to consider such factors in making management decisions. This sequence variant predicts a substitution of Glutamic Acid with Glutamine at codon 3583 of the RYR1 protein, p.(Glu3583Gln). The maximum allele frequency for this variant among the six major gnomAD populations is SAS: 0.0241, which is considered to be too common for a pathogenic variant causing autosomal dominantly inherited MHS, BA1. This variant has been classified as Benign. Criteria implemented: BA1.

CeGaT Center for Human Genetics Tuebingen
Classification: Benign. Last evaluated: 2026-09-01. Review status: criteria provided, single submitter. Criteria: CeGaT Center For Human Genetics Tuebingen Variant Classification Criteria Version 2. Collection method: clinical testing. Allele origin: germline. Affected: yes. Observed: 76 variant alleles. Not counted in ClinVar's aggregate classification.
Comment: RYR1: BS1, BS2

Labcorp Genetics (formerly Invitae), Labcorp
Classification: Benign for RYR1-related disorder. Last evaluated: 2026-02-04. Review status: criteria provided, single submitter. Criteria: Invitae Variant Classification Sherloc (09022015). Collection method: clinical testing. Allele origin: germline. Not counted in ClinVar's aggregate classification.

ARUP Laboratories, Molecular Genetics and Genomics, ARUP Laboratories
Classification: Benign. Last evaluated: 2024-11-25. Review status: criteria provided, single submitter. Criteria: ARUP Molecular Germline Variant Investigation Process 2024. Collection method: clinical testing. Allele origin: germline. Not counted in ClinVar's aggregate classification.

Fulgent Genetics
Classification: Benign for Central core myopathy; Malignant hyperthermia, susceptibility to, 1; Congenital myopathy 4A, autosomal dominant; Congenital multicore myopathy with external ophthalmoplegia; King Denborough syndrome. Last evaluated: 2021-10-21. Review status: criteria provided, single submitter. Criteria: ACMG Guidelines, 2015. Collection method: clinical testing. Allele origin: unknown. Not counted in ClinVar's aggregate classification.

Athena Diagnostics
Classification: Benign. Last evaluated: 2021-05-11. Review status: criteria provided, single submitter. Criteria: Athena Diagnostics criteria. Collection method: clinical testing. Allele origin: unknown. Not counted in ClinVar's aggregate classification.

Illumina Laboratory Services, Illumina
Classification: Benign for Malignant hyperthermia, susceptibility to, 1. Last evaluated: 2018-03-06. Review status: criteria provided, single submitter. Criteria: ICSL Variant Classification Criteria 13 December 2019. Collection method: clinical testing. Allele origin: germline. Not counted in ClinVar's aggregate classification.
Comment: This variant was observed in the ICSL laboratory as part of a predisposition screen in an ostensibly healthy population. It had not been previously curated by ICSL or reported in the Human Gene Mutation Database (HGMD: prior to June 1st, 2018), and was therefore a candidate for classification through an automated scoring system. Utilizing variant allele frequency, disease prevalence and penetrance estimates, and inheritance mode, an automated score was calculated to assess if this variant is too frequent to cause the disease. Based on the score and internal cut-off values, a variant classified as benign is not then subjected to further curation. The score for this variant resulted in a classification of benign for this disease.

Illumina Laboratory Services, Illumina
Classification: Benign for Central core myopathy. Last evaluated: 2018-03-06. Review status: criteria provided, single submitter. Criteria: ICSL Variant Classification Criteria 13 December 2019. Collection method: clinical testing. Allele origin: germline. Not counted in ClinVar's aggregate classification.
Comment: the same text as in the submission from Illumina Laboratory Services, Illumina above.

Illumina Laboratory Services, Illumina
Classification: Benign for Congenital multicore myopathy with external ophthalmoplegia. Last evaluated: 2018-03-06. Review status: criteria provided, single submitter. Criteria: ICSL Variant Classification Criteria 13 December 2019. Collection method: clinical testing. Allele origin: germline. Not counted in ClinVar's aggregate classification.
Comment: the same text as in the submission from Illumina Laboratory Services, Illumina above.

PreventionGenetics, part of Exact Sciences
Classification: Benign. Last evaluated: 2018-03-06. Review status: criteria provided, single submitter. Criteria: ACMG Guidelines, 2015. Collection method: clinical testing. Allele origin: germline. Not counted in ClinVar's aggregate classification.

Color Diagnostics, LLC DBA Color Health
Classification: Benign for Malignant hyperthermia, susceptibility to, 1. Last evaluated: 2018-03-05. Review status: criteria provided, single submitter. Criteria: ACMG Guidelines, 2015. Collection method: clinical testing. Allele origin: germline. Not counted in ClinVar's aggregate classification.

Mayo Clinic Laboratories, Mayo Clinic
Classification: Benign. Last evaluated: 2017-12-21. Review status: criteria provided, single submitter. Criteria: ACMG Guidelines, 2015. Collection method: clinical testing. Allele origin: germline. Observed: 24 variant alleles. Not counted in ClinVar's aggregate classification.

GeneDx
Classification: Benign. Last evaluated: 2016-06-03. Review status: criteria provided, single submitter. Criteria: GeneDx Variant Classification (06012015). Collection method: clinical testing. Allele origin: germline. Affected: yes. Not counted in ClinVar's aggregate classification.
Comment: This variant is considered likely benign or benign based on one or more of the following criteria: it is a conservative change, it occurs at a poorly conserved position in the protein, it is predicted to be benign by multiple in silico algorithms, and/or has population frequency not consistent with disease.

Genomic Diagnostic Laboratory, Division of Genomic Diagnostics, Children's Hospital of Philadelphia
Classification: Benign for Malignant hypothermia. Last evaluated: 2015-08-07. Review status: criteria provided, single submitter. Criteria: DGD Variant Analysis Guidelines. Collection method: clinical testing. Allele origin: unknown. Not counted in ClinVar's aggregate classification.

Genetic Services Laboratory, University of Chicago
Classification: Benign. Last evaluated: 2015-02-13. Review status: criteria provided, single submitter. Criteria: ACMG Guidelines, 2015. Collection method: clinical testing. Allele origin: germline. Not counted in ClinVar's aggregate classification.

Eurofins Ntd Llc (ga)
Classification: Benign. Last evaluated: 2014-01-27. Review status: criteria provided, single submitter. Criteria: EGL Classification Definitions 2015. Collection method: clinical testing. Allele origin: germline. Observed: 4 variant alleles, 4 heterozygotes. Not counted in ClinVar's aggregate classification.

Biesecker Lab/Clinical Genomics Section, National Institutes of Health
Classification: Benign for Malignant hyperthermia, susceptibility to, 1. Last evaluated: 2013-07-01. Review status: criteria provided, single submitter. Criteria: Gonsalves et al. 2013. Collection method: research. Allele origin: unknown. Observed: 15 variant alleles. Study: ClinSeq. Not counted in ClinVar's aggregate classification.
Comment: The study set was not selected for affection status in relation to any myopathy. Pathogenicity categories were based on literature curation. See Pubmed ID: 24195946 for details.

Breakthrough Genomics
Classification: Benign. Review status: criteria provided, single submitter. Criteria: ACMG Guidelines, 2015. Collection method: not provided. Allele origin: germline. Inheritance: Autosomal recessive inheritance. Affected: yes. Not counted in ClinVar's aggregate classification.

Genome Diagnostics Laboratory, University Medical Center Utrecht
Classification: Benign. Review status: no assertion criteria provided. Collection method: clinical testing. Allele origin: germline. Affected: yes. Study: VKGL Data-share Consensus. Not counted in ClinVar's aggregate classification.

Joint Genome Diagnostic Labs from Nijmegen and Maastricht, Radboudumc and MUMC+
Classification: Benign. Review status: no assertion criteria provided. Collection method: clinical testing. Allele origin: germline. Affected: yes. Study: VKGL Data-share Consensus. Not counted in ClinVar's aggregate classification.

Laboratory of Diagnostic Genome Analysis, Leiden University Medical Center (LUMC)
Classification: Likely benign. Review status: no assertion criteria provided. Collection method: clinical testing. Allele origin: germline. Affected: yes. Study: VKGL Data-share Consensus. Not counted in ClinVar's aggregate classification.

RYR1 database
No classification provided. Review status: no classification provided. Collection method: not provided. Allele origin: unknown. Not counted in ClinVar's aggregate classification.

Literature cited by the submitters: PubMed 25957634 (cited by Athena Diagnostics); PubMed 27153395 (cited by Athena Diagnostics); PubMed 23558838 (cited by Athena Diagnostics); PubMed 23329375 (cited by Athena Diagnostics); PubMed 16917943 (cited by Athena Diagnostics).